The following is an entry in ClinVar:

NM_012144.4(DNAI1):c.1132T>G (p.Tyr378Asp)

Gene: DNAI1 (dynein axonemal intermediate chain 1; plus strand). Cytogenetic location: 9p13.3.
Variant type: single nucleotide variant.
Coding change: c.1132T>G on transcript NM_012144.4 (MANE Select); coding-DNA position 1132, T replaced by G.
Protein change: p.Tyr378Asp; replaces tyrosine 378 with aspartic acid.
Molecular consequence: missense variant.
Genome position (GRCh38, 1-based): chr9:34,506,695, T>G. VCF-style: chr9-34506695-T-G. GRCh37 (hg19) VCF-style: chr9-34506693-T-G.
Other names: c.1132T>G (NM_012144.2); c.1144T>G, p.Tyr382Asp (NM_001281428.2); short protein forms Y378D, Y382D.
Identifiers: ClinVar variation 2151587 (VCV002151587.2), dbSNP rs772880156, ClinGen allele CA5034301.
Genomic context (GRCh38, chr9:34,506,695, plus strand): 5'-ATGAAGCAGAGCCGGGGCATGCTGCTGCTCTACAGCCTGAAGAACCCCAGCTTCCCTGAG[T>G]ACATGTTCAGCAGCAACAGCGGCGTCATGTGTCTCGACATCCACGTGGACCACCCCTACC-3'
Protein context (NP_036276.1, residues 368-388): YSLKNPSFPE[Tyr378Asp]MFSSNSGVMC

ClinVar aggregate classification (germline): Uncertain significance. Review status: criteria provided, multiple submitters, no conflicts (2 of 4 stars). 2 submissions from 2 submitters: Uncertain significance (2). Last evaluated 2023-12-15.

Conditions:
Primary ciliary dyskinesia. Also called: Ciliary dyskinesia. Identifiers: Orphanet 244, MedGen C0008780, MONDO:0016575, HP:0012265.

Allele frequency attached by ClinVar (database versions not stated): gnomAD 0.00002; gnomAD exomes 0.00002; ExAC 0.00003; TOPMed 0.00003.
gnomAD v4.1: 38 of 1,614,044 alleles (0.0024%); highest among the groups gnomAD compares: Non-Finnish European, 0.0031%; no homozygotes.

Submissions (2):

Ambry Genetics
Classification: Uncertain significance for Primary ciliary dyskinesia. Last evaluated: 2023-12-15. Review status: criteria provided, single submitter. Criteria: Ambry Variant Classification Scheme 2023. Collection method: clinical testing. Allele origin: germline.
Comment: The p.Y378D variant (also known as c.1132T>G), located in coding exon 13 of the DNAI1 gene, results from a T to G substitution at nucleotide position 1132. The tyrosine at codon 378 is replaced by aspartic acid, an amino acid with highly dissimilar properties. This amino acid position is conserved. In addition, the in silico prediction for this alteration is inconclusive. Since supporting evidence is limited at this time, the clinical significance of this alteration remains unclear.

Labcorp Genetics (formerly Invitae), Labcorp
Classification: Uncertain significance for Primary ciliary dyskinesia. Last evaluated: 2022-07-19. Review status: criteria provided, single submitter. Criteria: Invitae Variant Classification Sherloc (09022015). Collection method: clinical testing. Allele origin: germline.
Comment: This sequence change replaces tyrosine, which is neutral and polar, with aspartic acid, which is acidic and polar, at codon 378 of the DNAI1 protein (p.Tyr378Asp). This variant is present in population databases (rs772880156, gnomAD 0.007%). This variant has not been reported in the literature in individuals affected with DNAI1-related conditions. Algorithms developed to predict the effect of missense changes on protein structure and function are either unavailable or do not agree on the potential impact of this missense change (SIFT: "Deleterious"; PolyPhen-2: "Possibly Damaging"; Align-GVGD: "Class C0"). In summary, the available evidence is currently insufficient to determine the role of this variant in disease. Therefore, it has been classified as a Variant of Uncertain Significance.